The following is an entry in ClinVar:

ClinVar aggregate classification (germline): Uncertain significance (1 of 4 stars; one submission).

Submission:

Labcorp Genetics (formerly Invitae), Labcorp
Classification: Uncertain significance. Last evaluated: 2025-12-09. Review status: criteria provided, single submitter. Criteria: Invitae Variant Classification Sherloc (09022015). Collection method: clinical testing. Allele origin: germline.
Comment: This variant, c.1104_1106del, results in the deletion of 1 amino acid(s) of the RIPK1 protein (p.Glu369del), but otherwise preserves the integrity of the reading frame. This variant is present in population databases (no rsID available, gnomAD 0.004%). This variant has not been reported in the literature in individuals affected with RIPK1-related conditions. Experimental studies and prediction algorithms are not available or were not evaluated, and the functional significance of this variant is currently unknown. In summary, the available evidence is currently insufficient to determine the role of this variant in disease. Therefore, it has been classified as a Variant of Uncertain Significance.

NM_001354930.2(RIPK1):c.1101AGA[1] (p.Glu369del)

Gene: RIPK1 (receptor interacting serine/threonine kinase 1; plus strand). Cytogenetic location: 6p25.2.
Variant type: Microsatellite.
Coding change: c.1101AGA[1] on transcript NM_001354930.2 (MANE Select); one copy of the 3-base unit AGA starting at c.1101; the reference has two copies in a row; one copy, 3 bases deleted.
Protein change: p.Glu369del; deletes glutamic acid 369.
Molecular consequence: inframe deletion.
Genome position (GRCh38, 1-based): chr6:3,105,579-3,105,581, AGA deleted; deleting any 3 consecutive bases within chr6:3,105,575-3,105,581 gives the same sequence; the position shown is the placement nearest the transcript's 3' end. VCF-style (leftmost placement, unchanged base first): chr6-3105574-CAAG-C. GRCh37 (hg19) VCF-style: chr6-3105808-CAAG-C.
Other names: c.612AGA[1], p.Glu206del (NM_001317061.3, NM_001354932.2, NM_001354933.2 and 1 more transcripts); c.963AGA[1], p.Glu323del (NM_001354931.2); c.1101AGA[1], p.Glu369del (NM_003804.6); short protein forms E206del, E323del, E369del.
Identifiers: ClinVar variation 3614391 (VCV003614391.2).